The following is an entry in ClinVar:

ClinVar aggregate classification (germline): Uncertain significance (1 of 4 stars; one submission).

Submission:

Labcorp Genetics (formerly Invitae), Labcorp
Classification: Uncertain significance. Last evaluated: 2025-06-17. Review status: criteria provided, single submitter. Criteria: Invitae Variant Classification Sherloc (09022015). Collection method: clinical testing. Allele origin: germline.
Comment: This sequence change replaces proline, which is neutral and non-polar, with arginine, which is basic and polar, at codon 2091 of the POLE protein (p.Pro2091Arg). This variant is present in population databases (rs376093362, gnomAD 0.0009%). This variant has not been reported in the literature in individuals affected with POLE-related conditions. Invitae Evidence Modeling of protein sequence and biophysical properties (such as structural, functional, and spatial information, amino acid conservation, physicochemical variation, residue mobility, and thermodynamic stability) indicates that this missense variant is not expected to disrupt POLE protein function with a negative predictive value of 80%. In summary, the available evidence is currently insufficient to determine the role of this variant in disease. Therefore, it has been classified as a Variant of Uncertain Significance.

NM_006231.4(POLE):c.6272C>G (p.Pro2091Arg)

Gene: POLE (DNA polymerase epsilon, catalytic subunit; minus strand). Cytogenetic location: 12q24.33.
Variant type: single nucleotide variant.
Coding change: c.6272C>G on transcript NM_006231.4 (MANE Select); coding-DNA position 6272, C replaced by G.
Protein change: p.Pro2091Arg; replaces proline 2091 with arginine.
Molecular consequence: missense variant.
Genome position (GRCh38, 1-based): chr12:132,632,373, G>C on the plus strand (C>G on the coding strand, the complement: POLE is on the minus strand). VCF-style: chr12-132632373-G-C. GRCh37 (hg19) VCF-style: chr12-133208959-G-C.
Other names: short protein forms P2091R.
Identifiers: ClinVar variation 4698212 (VCV004698212.1).